The following is an entry in ClinVar:

NM_001032382.2(PQBP1):c.355C>T (p.Arg119Cys)

Gene: PQBP1 (polyglutamine binding protein 1; plus strand). Cytogenetic location: Xp11.23.
Variant type: single nucleotide variant.
Coding change: c.355C>T on transcript NM_001032382.2 (MANE Select); coding-DNA position 355, C replaced by T.
Protein change: p.Arg119Cys; replaces arginine 119 with cysteine.
Molecular consequence: missense variant. On other transcripts: intron variant (2).
Genome position (GRCh38, 1-based): chrX:48,902,295, C>T. VCF-style: chrX-48902295-C-T. GRCh37 (hg19) VCF-style: chrX-48759572-C-T.
Other names: c.355C>T, p.Arg119Cys (NM_001032381.2, NM_001032383.2, NM_001032384.1 and 2 more transcripts); c.331C>T, p.Arg111Cys (NM_001167990.2); c.292+253C>T (NM_144495.3); c.202-147C>T (NM_001167992.1); short protein forms R111C, R119C.
Identifiers: ClinVar variation 1971354 (VCV001971354.5), dbSNP rs2063430370, ClinGen allele CA412889586.
Genomic context (GRCh38, chrX:48,902,295, plus strand): 5'-GCTGAAGAAAAGTTGGACCGGAGCCATGACAAGTCGGACAGGGGCCATGACAAGTCGGAC[C>T]GCAGCCATGAGAAACTAGACAGGGGCCACGACAAGTCAGACCGGGGCCACGACAAGTCTG-3'
Protein context (NP_001027554.1, residues 109-129): KSDRGHDKSD[Arg119Cys]SHEKLDRGHD

ClinVar aggregate classification (germline): Uncertain significance (1 of 4 stars; one submission).

Allele frequency attached by ClinVar (database versions not stated): gnomAD exomes below 0.00001; TOPMed below 0.00001; gnomAD 0.00001.
gnomAD v4.1: 3 of 1,208,979 alleles (0.00025%); highest among the groups gnomAD compares: African/African-American, 0.0018%; no homozygotes.

Submission:

Labcorp Genetics (formerly Invitae), Labcorp
Classification: Uncertain significance. Last evaluated: 2023-01-21. Review status: criteria provided, single submitter. Criteria: Invitae Variant Classification Sherloc (09022015). Collection method: clinical testing. Allele origin: germline.
Comment: In summary, the available evidence is currently insufficient to determine the role of this variant in disease. Therefore, it has been classified as a Variant of Uncertain Significance. Advanced modeling of protein sequence and biophysical properties (such as structural, functional, and spatial information, amino acid conservation, physicochemical variation, residue mobility, and thermodynamic stability) performed at Invitae indicates that this missense variant is not expected to disrupt PQBP1 protein function. This variant has not been reported in the literature in individuals affected with PQBP1-related conditions. This variant is not present in population databases (gnomAD no frequency). This sequence change replaces arginine, which is basic and polar, with cysteine, which is neutral and slightly polar, at codon 119 of the PQBP1 protein (p.Arg119Cys).